The following is an entry in ClinVar:

NM_002470.4(MYH3):c.5809G>A (p.Glu1937Lys)

Gene: MYH3 (myosin heavy chain 3; minus strand). Cytogenetic location: 17p13.1.
Variant type: single nucleotide variant.
Coding change: c.5809G>A on transcript NM_002470.4 (MANE Select); coding-DNA position 5809, G replaced by A.
Protein change: p.Glu1937Lys; replaces glutamic acid 1937 with lysine.
Molecular consequence: missense variant.
Genome position (GRCh38, 1-based): chr17:10,628,667, C>T on the plus strand (G>A on the coding strand, the complement: MYH3 is on the minus strand). VCF-style: chr17-10628667-C-T. GRCh37 (hg19) VCF-style: chr17-10531984-C-T.
Other names: short protein forms E1937K.
Identifiers: ClinVar variation 2907827 (VCV002907827.4), dbSNP rs1597479226, ClinGen allele CA398127032.

ClinVar aggregate classification (germline): Uncertain significance. Review status: criteria provided, multiple submitters, no conflicts (2 of 4 stars). 2 submissions from 2 submitters: Uncertain significance (2). Last evaluated 2025-12-20.

Allele frequency attached by ClinVar (database versions not stated): gnomAD exomes below 0.00001; TOPMed below 0.00001.

Submissions (2):

Labcorp Genetics (formerly Invitae), Labcorp
Classification: Uncertain significance. Last evaluated: 2025-12-20. Review status: criteria provided, single submitter. Criteria: Invitae Variant Classification Sherloc (09022015). Collection method: clinical testing. Allele origin: germline.
Comment: This sequence change replaces glutamic acid, which is acidic and polar, with lysine, which is basic and polar, at codon 1937 of the MYH3 protein (p.Glu1937Lys). This variant is not present in population databases (gnomAD no frequency). This variant has not been reported in the literature in individuals affected with MYH3-related conditions. ClinVar contains an entry for this variant (Variation ID: 2907827). Invitae Evidence Modeling of protein sequence and biophysical properties (such as structural, functional, and spatial information, amino acid conservation, physicochemical variation, residue mobility, and thermodynamic stability) indicates that this missense variant is not expected to disrupt MYH3 protein function with a negative predictive value of 95%. In summary, the available evidence is currently insufficient to determine the role of this variant in disease. Therefore, it has been classified as a Variant of Uncertain Significance.

Breakthrough Genomics
Classification: Uncertain significance. Review status: criteria provided, single submitter. Criteria: ACMG Guidelines, 2015. Collection method: not provided. Allele origin: germline. Inheritance: Autosomal recessive inheritance. Affected: yes.